The following is an entry in ClinVar:

ClinVar aggregate classification (germline): Conflicting classifications of pathogenicity. Review status: criteria provided, conflicting classifications (1 of 4 stars). 3 submissions from 3 submitters: Uncertain significance (2); Likely benign (1). Last evaluated 2024-04-12.

Conditions:
Hereditary cancer-predisposing syndrome. Also called: Hereditary Cancer Syndrome; Neoplastic Syndromes, Hereditary; Hereditary neoplastic syndrome; Tumor predisposition. Identifiers: Orphanet 140162, MedGen C0027672, MeSH D009386, MONDO:0015356.
Breast-ovarian cancer, familial, susceptibility to, 1 (BROVCA1). Also called: BRCA1 Hereditary Breast and Ovarian Cancer; OVARIAN CANCER, SUSCEPTIBILITY TO. Identifiers: Orphanet 145, MedGen C2676676, MONDO:0011450, OMIM 604370. Disease mechanism: loss of function.

Allele frequency attached by ClinVar (database versions not stated): gnomAD exomes below 0.00001.
gnomAD v4.1: 1 of 1,611,350 alleles (0.000062%); highest among the groups gnomAD compares: Admixed American, 0.0017%; no homozygotes.

Submissions (4):

Lupski Lab, Baylor-Hopkins CMG, Baylor College of Medicine
Classification: Likely benign for Breast-ovarian cancer, familial, susceptibility to, 1. Last evaluated: 2024-04-12. Review status: criteria provided, single submitter. Criteria: Dawood et al. (medRxiv. 2024). Collection method: curation. Allele origin: germline.
Comment: Each variant was annotated with functional scores from MAVE data which was translated into functional evidence codes. All other evidence codes and combining criteria were adhered to as closely as possible based on the ClinGen VCEP (Variant Curation Expert Panel) gene-specific recommendations. See Supplemental Figure 34 of final paper (Supp Fig. 28 in preprint: doi:10.1101/2024.04.11.24305690) for a table to see which lines of evidence we did not have data for. The ClinGen VCEPs are highly regarded as the gold-standard for gene-specific variant curation and are developed after extensive evaluation of the evidence by clinical and scientific experts for the particular gene to classify genomic variants on a spectrum from pathogenic to benign using the 2015 ACMG/AMP Variant Interpretation Guidelines as a backbone (PMID: 25741868). Reclassification of these VUS variants from gnomAD or All of Us focused only on variants originally prescribed as VUS in ClinVar. To ensure reproducibility, transparency, and increased throughput, all the procedures for annotating variants and assigning evidence codes were codified using Python. All code has been made freely available and is linked in the Code Availability section and all reclassified variants with evidence codes used can be found in Tables S18-19 (preprint: doi:10.1101/2024.04.11.24305690). For the MAVE data, the clinical curation and clinical strength assignment as per the ClinGen recommendations in Brnich et al. (2020) (PMID: 31892348) for or against pathogenicity or benignity of each of these MAVE datasets utilized in this study were previously published in Fayer et al. (2021) (PMID: 34793697).In brief, for BRCA1 variants, if a variant was categorized as FUNC (functional), it was assigned BS3 evidence and no PS3 evidence, whereas if it was categorized as LOF (loss of function), the variant was assigned PS3 evidence and no BS3 evidence. Variants categorized as INT (intermediate) were left unannotated. For the BRCA1 combining criteria, greater than or equal to 1 criteria of strong benign evidence was enough to reclassify the VUS as Likely Benign. This variant GRCh38:17:43063354:T>G was assigned evidence codes ['BS3', 'BP4'] and an overall classification of Likely benign

Ambry Genetics
Classification: Uncertain significance for Hereditary cancer-predisposing syndrome. Last evaluated: 2017-10-11. Review status: criteria provided, single submitter. Criteria: Ambry Variant Classification Scheme 2023. Collection method: clinical testing. Allele origin: germline.
Comment: The p.K1724N variant (also known as c.5172A>C), located in coding exon 17 of the BRCA1 gene, results from an A to C substitution at nucleotide position 5172. The lysine at codon 1724 is replaced by asparagine, an amino acid with similar properties. This amino acid position is well conserved in available vertebrate species. In addition, the in silico prediction for this alteration is inconclusive. Since supporting evidence is limited at this time, the clinical significance of this alteration remains unclear.

GeneDx
Classification: Uncertain significance. Last evaluated: 2015-12-02. Review status: criteria provided, single submitter. Criteria: GeneDx Variant Classification (06012015). Collection method: clinical testing. Allele origin: germline. Affected: yes.
Comment: This variant is denoted BRCA1 c.5172A>C at the cDNA level, p.Lys1724Asn (K1724N) at the protein level, and results in the change of a Lysine to an Asparagine (AAA>AAC). Using alternate nomenclature, this variant would be defined as BRCA1 5291A>C. This variant has not, to our knowledge, been published in the literature as pathogenic or benign. BRCA1 Lys1724Asn was not observed in approximately 6,500 individuals of European and African American ancestry in the NHLBI Exome Sequencing Project, suggesting it is not a common benign variant in these populations. Since Lysine and Asparagine differ in some properties, this is considered a semi-conservative amino acid substitution. BRCA1 Lys1724Asn occurs at a position that is not conserved and is located in the BRCT 1 domain and a region known to interact with multiple other proteins (Paul 2014, UniProt). In silico analyses are inconsistent regarding the effect this variant may have on protein structure and function. Based on currently available evidence, it is unclear whether BRCA1 Lys1724Asn is pathogenic or benign. We consider it to be a variant of uncertain significance.

Brotman Baty Institute, University of Washington
No classification provided (evidence only). Condition: Breast-ovarian cancer, familial 1. Review status: no classification provided. Collection method: in vitro. Allele origin: not applicable. Functional consequence: functionally_normal. Not counted in ClinVar's aggregate classification.
ClinVar note: "not provided" was previously submitted as the classification for the variant. However, the classification appeared to be based only on an observation of functional data so it was converted to no classification on 2025-07-30.

Literature cited by the submitters: PubMed 39142283 (cited by Lupski Lab, Baylor-Hopkins CMG, Baylor College of Medicine); PubMed 34793697 (cited by Lupski Lab, Baylor-Hopkins CMG, Baylor College of Medicine); DOI 10.1101/2024.04.11.24305690 (cited by Lupski Lab, Baylor-Hopkins CMG, Baylor College of Medicine).

NM_007294.4(BRCA1):c.5172A>C (p.Lys1724Asn)

Gene: BRCA1 (BRCA1 DNA repair associated; minus strand). Cytogenetic location: 17q21.31.
Variant type: single nucleotide variant.
Coding change: c.5172A>C on transcript NM_007294.4 (MANE Select); coding-DNA position 5172, A replaced by C.
Protein change: p.Lys1724Asn; replaces lysine 1724 with asparagine.
Molecular consequence: missense variant. On other transcripts: non-coding transcript variant (1).
Genome position (GRCh38, 1-based): chr17:43,063,354, T>G on the plus strand (A>C on the coding strand, the complement: BRCA1 is on the minus strand). VCF-style: chr17-43063354-T-G. GRCh37 (hg19) VCF-style: chr17-41215371-T-G.
Other names: c.4959A>C, p.Lys1653Asn (NM_001407571.1, NM_001407894.1, NM_001407895.1 and 12 more transcripts); c.5238A>C, p.Lys1746Asn (NM_001407581.1, NM_001407582.1); c.5235A>C, p.Lys1745Asn (NM_001407583.1, NM_001407585.1, NM_001407587.1 and 1 more transcripts); c.5232A>C, p.Lys1744Asn (NM_001407590.1, NM_001407591.1); c.5172A>C, p.Lys1724Asn (NM_001407593.1, NM_001407594.1, NM_001407596.1 and 7 more transcripts); c.5169A>C, p.Lys1723Asn (NM_001407620.1, NM_001407621.1, NM_001407622.1 and 17 more transcripts); c.5166A>C, p.Lys1722Asn (NM_001407627.1, NM_001407628.1, NM_001407639.1 and 14 more transcripts); c.5163A>C, p.Lys1721Asn (NM_001407644.1, NM_001407645.1); and 72 more; short protein forms K1724N, K1745N, K620N, K1677N, K1613N, K1634N, K1653N, K1654N.
Identifiers: ClinVar variation 246200 (VCV000246200.8), dbSNP rs879254150, ClinGen allele CA10584548.
Genomic context (GRCh38, chr17:43,063,354, plus strand): 5'-ATGAATATCTCTGGTTAGTTTGTAACATCAAGTACTTACCTCATTCAGCATTTTTCTTTC[T>G]TTAATAGACTGGGTCACCCCTAAAGAGATCATAGAAAAGACAGGTTACATACAGCAGAAG-3'
Protein context (NP_009225.1, residues 1714-1734): VSYFWVTQSI[Lys1724Asn]ERKMLNEHDF